The following is an entry in ClinVar:

ClinVar aggregate classification (germline): Uncertain significance (1 of 4 stars; one submission).

Conditions:
POLD1-related polyposis and colorectal cancer syndrome (CRCS10). Also called: COLORECTAL CANCER, SUSCEPTIBILITY TO, ON CHROMOSOME 19q; Colorectal cancer 10; Colorectal cancer, susceptibility to, 10. Identifiers: Orphanet 220460, MedGen C2675481, MONDO:0012953, OMIM 612591.

Submission:

Labcorp Genetics (formerly Invitae), Labcorp
Classification: Uncertain significance for POLD1-related polyposis and colorectal cancer syndrome. Last evaluated: 2025-08-07. Review status: criteria provided, single submitter. Criteria: Invitae Variant Classification Sherloc (09022015). Collection method: clinical testing. Allele origin: germline.
Comment: This sequence change replaces glutamine, which is neutral and polar, with lysine, which is basic and polar, at codon 733 of the POLD1 protein (p.Gln733Lys). This variant is not present in population databases (gnomAD no frequency). This variant has not been reported in the literature in individuals affected with POLD1-related conditions. Invitae Evidence Modeling of protein sequence and biophysical properties (such as structural, functional, and spatial information, amino acid conservation, physicochemical variation, residue mobility, and thermodynamic stability) indicates that this missense variant is not expected to disrupt POLD1 protein function with a negative predictive value of 80%. In summary, the available evidence is currently insufficient to determine the role of this variant in disease. Therefore, it has been classified as a Variant of Uncertain Significance.

NM_002691.4(POLD1):c.2197C>A (p.Gln733Lys)

Gene: POLD1 (DNA polymerase delta 1, catalytic subunit; plus strand). Cytogenetic location: 19q13.33.
Variant type: single nucleotide variant.
Coding change: c.2197C>A on transcript NM_002691.4 (MANE Select); coding-DNA position 2197, C replaced by A.
Protein change: p.Gln733Lys; replaces glutamine 733 with lysine.
Molecular consequence: missense variant. On other transcripts: non-coding transcript variant (1).
Genome position (GRCh38, 1-based): chr19:50,413,468, C>A. VCF-style: chr19-50413468-C-A. GRCh37 (hg19) VCF-style: chr19-50916725-C-A.
Other names: c.2197C>A, p.Gln733Lys (NM_001256849.1, NM_001438212.1, NM_001438213.1); c.2275C>A, p.Gln759Lys (NM_001308632.1); c.2125C>A, p.Gln709Lys (NM_001438210.1, NM_001438211.1); short protein forms Q709K, Q733K, Q759K.
Identifiers: ClinVar variation 4741187 (VCV004741187.1).